The following is an entry in ClinVar:

NM_020245.5(TULP4):c.513G>A (p.Thr171=)

Gene: TULP4 (TUB like protein 4; plus strand). Cytogenetic location: 6q25.3.
Variant type: single nucleotide variant.
Coding change: c.513G>A on transcript NM_020245.5 (MANE Select); coding-DNA position 513, G replaced by A.
Protein change: p.Thr171=; no amino-acid change (threonine 171 retained).
Molecular consequence: synonymous variant.
Genome position (GRCh38, 1-based): chr6:158,429,867, G>A. VCF-style: chr6-158429867-G-A. GRCh37 (hg19) VCF-style: chr6-158850899-G-A.
Other names: c.513G>A, p.Thr171= (NM_001007466.3).
Identifiers: ClinVar variation 2657085 (VCV002657085.24), dbSNP rs138932674, ClinGen allele CA4071746.

ClinVar aggregate classification (germline): Likely benign (1 of 4 stars; one submission).

Allele frequency attached by ClinVar (database versions not stated): 1000 Genomes Project 30x 0.00047; 1000 Genomes Project 0.00060; TOPMed 0.00131; ESP Exome Variant Server 0.00169.
gnomAD v4.1: 694 of 1,613,996 alleles (0.043%); highest among the groups gnomAD compares: African/African-American, 0.35%; 1 homozygote.

Submission:

CeGaT Center for Human Genetics Tuebingen
Classification: Likely benign. Last evaluated: 2022-10-01. Review status: criteria provided, single submitter. Criteria: CeGaT Center For Human Genetics Tuebingen Variant Classification Criteria Version 2. Collection method: clinical testing. Allele origin: germline. Affected: yes. Observed: 2 variant alleles.
Comment: TULP4: BP4, BP7